The following is an entry in ClinVar:

ClinVar aggregate classification (germline): Uncertain significance. Review status: criteria provided, multiple submitters, no conflicts (2 of 4 stars). 3 submissions from 3 submitters: Uncertain significance (3). Last evaluated 2025-12-09.

Allele frequency attached by ClinVar (database versions not stated): gnomAD 0.00001; TOPMed 0.00003.

Submissions (3):

Ambry Genetics
Classification: Uncertain significance. Last evaluated: 2025-12-09. Review status: criteria provided, single submitter. Criteria: Ambry Variant Classification Scheme 2023. Collection method: clinical testing. Allele origin: germline.

Labcorp Genetics (formerly Invitae), Labcorp
Classification: Uncertain significance. Last evaluated: 2025-07-20. Review status: criteria provided, single submitter. Criteria: Invitae Variant Classification Sherloc (09022015). Collection method: clinical testing. Allele origin: germline.
Comment: This sequence change replaces aspartic acid, which is acidic and polar, with asparagine, which is neutral and polar, at codon 87 of the ZNF513 protein (p.Asp87Asn). This variant is not present in population databases (gnomAD no frequency). This variant has not been reported in the literature in individuals affected with ZNF513-related conditions. ClinVar contains an entry for this variant (Variation ID: 2177380). An algorithm developed to predict the effect of missense changes on protein structure and function (PolyPhen-2) suggests that this variant is likely to be disruptive. In summary, the available evidence is currently insufficient to determine the role of this variant in disease. Therefore, it has been classified as a Variant of Uncertain Significance.

Blueprint Genetics
Classification: Uncertain significance. Last evaluated: 2023-06-13. Review status: criteria provided, single submitter. Criteria: ACMG Guidelines, 2015. Collection method: clinical testing. Allele origin: germline.

NM_144631.6(ZNF513):c.259G>A (p.Asp87Asn)

Gene: ZNF513 (zinc finger protein 513; minus strand). Cytogenetic location: 2p23.3.
Variant type: single nucleotide variant.
Coding change: c.259G>A on transcript NM_144631.6 (MANE Select); coding-DNA position 259, G replaced by A.
Protein change: p.Asp87Asn; replaces aspartic acid 87 with asparagine.
Molecular consequence: missense variant.
Genome position (GRCh38, 1-based): chr2:27,379,007, C>T on the plus strand (G>A on the coding strand, the complement: ZNF513 is on the minus strand). VCF-style: chr2-27379007-C-T. GRCh37 (hg19) VCF-style: chr2-27601874-C-T.
Other names: c.259G>A (NM_144631.5); c.73G>A, p.Asp25Asn (NM_001201459.2); short protein forms D25N, D87N.
Identifiers: ClinVar variation 2177380 (VCV002177380.6), dbSNP rs774044916, ClinGen allele CA346218731.
Genomic context (GRCh38, chr2:27,379,007, plus strand): 5'-CCCTGGCTGGCTCCTCAACTTCACTCTCCGCACTTAGTGCCCGGCCGCCCCCAGACTCAT[C>T]GTCGCTCAGCCCATAGGGAAGCCCAGGCCTGGCCCCCAGAGAGTCTCCTGGTGAAATAGA-3'
Protein context (NP_653232.3, residues 77-97): RPGLPYGLSD[Asp87Asn]ESGGGRALSA